The following is an entry in ClinVar:

NM_015512.5(DNAH1):c.406+6T>A

Gene: DNAH1 (dynein axonemal heavy chain 1; plus strand). Cytogenetic location: 3p21.1.
Variant type: single nucleotide variant.
Coding change: c.406+6T>A on transcript NM_015512.5 (MANE Select); 6 bases into the intron after coding-DNA position 406, T replaced by A.
Molecular consequence: intron variant.
Genome position (GRCh38, 1-based): chr3:52,323,886, T>A. VCF-style: chr3-52323886-T-A. GRCh37 (hg19) VCF-style: chr3-52357902-T-A.
Identifiers: ClinVar variation 1000757 (VCV001000757.5), dbSNP rs1701242021, ClinGen allele CA1364803672.

ClinVar aggregate classification (germline): Uncertain significance (1 of 4 stars; one submission).

Conditions:
Ciliary dyskinesia, primary, 37 (CILD37). Also called: CILIARY DYSKINESIA, PRIMARY, 37, WITH OR WITHOUT SITUS INVERSUS. Identifiers: MedGen C4539798, MONDO:0033204, OMIM 617577.
Spermatogenic failure 18. Identifiers: MedGen C4539783, MONDO:0054615, OMIM 617576.

Allele frequency attached by ClinVar (database versions not stated): gnomAD exomes below 0.00001.
gnomAD v4.1: 1 of 1,568,476 alleles (0.000064%); highest among the groups gnomAD compares: Non-Finnish European, 0.000086%; no homozygotes.

Submission:

Labcorp Genetics (formerly Invitae), Labcorp
Classification: Uncertain significance for Ciliary dyskinesia, primary, 37; Spermatogenic failure 18. Last evaluated: 2020-04-03. Review status: criteria provided, single submitter. Criteria: Invitae Variant Classification Sherloc (09022015). Collection method: clinical testing. Allele origin: germline.
Comment: This variant is not present in population databases (ExAC no frequency). This variant has not been reported in the literature in individuals with DNAH1-related conditions. Nucleotide substitutions within the consensus splice site are a relatively common cause of aberrant splicing (PMID: 17576681, 9536098). Algorithms developed to predict the effect of sequence changes on RNA splicing suggest that this variant may disrupt the consensus splice site, but this prediction has not been confirmed by published transcriptional studies. In summary, the available evidence is currently insufficient to determine the role of this variant in disease. Therefore, it has been classified as a Variant of Uncertain Significance. This sequence change falls in intron 3 of the DNAH1 gene. It does not directly change the encoded amino acid sequence of the DNAH1 protein, but it affects a nucleotide within the consensus splice site of the intron.

Literature cited by the submitters: PubMed 17576681; PubMed 9536098.